The following is an entry in ClinVar:

NM_001273.5(CHD4):c.2121+1G>A

Gene: CHD4 (chromodomain helicase DNA binding protein 4; minus strand). Cytogenetic location: 12p13.31.
Variant type: single nucleotide variant.
Coding change: c.2121+1G>A on transcript NM_001273.5 (MANE Select); the canonical splice donor site of the intron after coding-DNA position 2121, G replaced by A.
Molecular consequence: splice donor variant.
Genome position (GRCh38, 1-based): chr12:6,595,333, C>T on the plus strand (G>A on the coding strand, the complement: CHD4 is on the minus strand). VCF-style: chr12-6595333-C-T. GRCh37 (hg19) VCF-style: chr12-6704499-C-T.
Other names: c.2082+1G>A (NM_001363606.2); c.2100+1G>A (NM_001297553.2).
Identifiers: ClinVar variation 4886027 (VCV004886027.2).
Genomic context (GRCh38, chr12:6,595,333, plus strand): 5'-GACTGCAGCAAAGATACATTGTCCTACCCAACAAACTACAGTCCCTTCCACCCCCACTCA[C>T]ATCAACTGTTGGCGTTTCTGGAGGCCTCTCCAACTTCCGAAGCTTCACCTTCTTGAGCTT-3'

ClinVar aggregate classification (germline): Likely pathogenic (1 of 4 stars; one submission).

Submission:

Dasa
Classification: Likely pathogenic. Last evaluated: 2026-03-20. Review status: criteria provided, single submitter. Criteria: DASA Assertion Criteria. Collection method: clinical testing. Allele origin: germline.
Comment: NM_001273.5(CHD4):c.2121+1G>A affects a canonical splice site and is predicted to disrupt normal RNA splicing. Loss of function is an established disease mechanism for CHD4-associated disorders. Also, this variant is rare in population databases. Based on the currently available evidence, this variant is classified as likely pathogenic.